The following is an entry in ClinVar:

NC_000017.10:g.(?_1554096)_(1565467_?)dup

Gene: PRPF8 (pre-mRNA processing factor 8; minus strand). Cytogenetic location: 17p13.3.
Variant type: Duplication.
Identifiers: ClinVar variation 3243180 (VCV003243180.1).

ClinVar aggregate classification (germline): Uncertain significance (1 of 4 stars; one submission).

Submission:

Labcorp Genetics (formerly Invitae), Labcorp
Classification: Uncertain significance. Last evaluated: 2024-01-29. Review status: criteria provided, single submitter. Criteria: Invitae Variant Classification Sherloc (09022015). Collection method: clinical testing. Allele origin: unknown.
Comment: This variant results in a copy number gain of the genomic region encompassing exon(s) 25-43 of the PRPF8 gene. This region includes the termination codon of the gene. This copy number gain extends beyond the assayed region for this gene and therefore may encompass additional genes. As the precise location of this event is unknown, it may be in tandem or it may be located elsewhere in the genome. This variant has not been reported in the literature in individuals affected with PRPF8-related conditions. Experimental studies and prediction algorithms are not available or were not evaluated, and the functional significance of this variant is currently unknown. In summary, the available evidence is currently insufficient to determine the role of this variant in disease. Therefore, it has been classified as a Variant of Uncertain Significance.